The following is an entry in ClinVar:

ClinVar aggregate classification (germline): Conflicting classifications of pathogenicity. Review status: criteria provided, conflicting classifications (1 of 4 stars). 3 submissions from 3 submitters: Uncertain significance (2); Likely benign (1). Last evaluated 2025-10-01.

Conditions:
Inborn genetic diseases. Identifiers: MedGen C0950123, MeSH D030342.

Allele frequency attached by ClinVar (database versions not stated): ExAC 0.00007.
gnomAD v4.1: 373 of 1,543,418 alleles (0.024%); highest among the groups gnomAD compares: Non-Finnish European, 0.031%; no homozygotes.

Submissions (3):

Labcorp Genetics (formerly Invitae), Labcorp
Classification: Uncertain significance. Last evaluated: 2025-10-01. Review status: criteria provided, single submitter. Criteria: Invitae Variant Classification Sherloc (09022015). Collection method: clinical testing. Allele origin: germline.
Comment: This sequence change replaces arginine, which is basic and polar, with glycine, which is neutral and non-polar, at codon 152 of the FZD5 protein (p.Arg152Gly). This variant is present in population databases (rs776562411, gnomAD 0.03%), and has an allele count higher than expected for a pathogenic variant. This variant has not been reported in the literature in individuals affected with FZD5-related conditions. ClinVar contains an entry for this variant (Variation ID: 2372890). Invitae Evidence Modeling of protein sequence and biophysical properties (such as structural, functional, and spatial information, amino acid conservation, physicochemical variation, residue mobility, and thermodynamic stability) indicates that this missense variant is not expected to disrupt FZD5 protein function with a negative predictive value of 80%. In summary, the available evidence is currently insufficient to determine the role of this variant in disease. Therefore, it has been classified as a Variant of Uncertain Significance.

Ambry Genetics
Classification: Uncertain significance for Inborn genetic diseases. Last evaluated: 2025-04-20. Review status: criteria provided, single submitter. Criteria: Ambry Variant Classification Scheme 2023. Collection method: clinical testing. Allele origin: germline.

Laboratory of Genetics, Children's Clinical University Hospital Latvia
Classification: Likely benign. Last evaluated: 2025-02-16. Review status: criteria provided, single submitter. Criteria: ACMG Guidelines, 2015. Collection method: clinical testing. Allele origin: germline. Affected: yes.

NM_003468.4(FZD5):c.454C>G (p.Arg152Gly)

Gene: FZD5 (frizzled class receptor 5; minus strand). Cytogenetic location: 2q33.3.
Variant type: single nucleotide variant.
Coding change: c.454C>G on transcript NM_003468.4 (MANE Select); coding-DNA position 454, C replaced by G.
Protein change: p.Arg152Gly; replaces arginine 152 with glycine.
Molecular consequence: missense variant.
Genome position (GRCh38, 1-based): chr2:207,768,286, G>C on the plus strand (C>G on the coding strand, the complement: FZD5 is on the minus strand). VCF-style: chr2-207768286-G-C. GRCh37 (hg19) VCF-style: chr2-208633010-G-C.
Other names: short protein forms R152G.
Identifiers: ClinVar variation 2372890 (VCV002372890.5), dbSNP rs776562411, ClinGen allele CA2077027.
Genomic context (GRCh38, chr2:207,768,286, plus strand): 5'-GGCCTGGAAGGGTGGGCTTGGCTGGGAAAGGCCTGGGGGGCGCCGTGGTGGCCTCGCTGC[G>C]GTTGTAATCCATGCAGAGGACCTCGGCGTCGCGGCCCAGCACCGGGAGGCGGTCGCAGCT-3'
Protein context (NP_003459.2, residues 142-162): DAEVLCMDYN[Arg152Gly]SEATTAPPRP